The following is an entry in ClinVar:

ClinVar aggregate classification (germline): Uncertain significance (1 of 4 stars; one submission).

Allele frequency attached by ClinVar (database versions not stated): gnomAD exomes below 0.00001; TOPMed below 0.00001.
gnomAD v4.1: 6 of 1,610,934 alleles (0.00037%); highest among the groups gnomAD compares: Admixed American, 0.0017%; no homozygotes.

Submission:

Labcorp Genetics (formerly Invitae), Labcorp
Classification: Uncertain significance. Last evaluated: 2023-01-11. Review status: criteria provided, single submitter. Criteria: Invitae Variant Classification Sherloc (09022015). Collection method: clinical testing. Allele origin: germline.
Comment: The frequency data for this variant in the population databases is considered unreliable, as metrics indicate poor data quality at this position in the gnomAD database. This sequence change replaces alanine, which is neutral and non-polar, with valine, which is neutral and non-polar, at codon 15 of the MAP3K7 protein (p.Ala15Val). In summary, the available evidence is currently insufficient to determine the role of this variant in disease. Therefore, it has been classified as a Variant of Uncertain Significance. Algorithms developed to predict the effect of missense changes on protein structure and function are either unavailable or do not agree on the potential impact of this missense change (SIFT: "Deleterious"; PolyPhen-2: "Not Available"; Align-GVGD: "Class C0"). This variant has not been reported in the literature in individuals affected with MAP3K7-related conditions.

NM_145331.3(MAP3K7):c.44C>T (p.Ala15Val)

Gene: MAP3K7 (mitogen-activated protein kinase kinase kinase 7; minus strand). Cytogenetic location: 6q15.
Variant type: single nucleotide variant.
Coding change: c.44C>T on transcript NM_145331.3 (MANE Select); coding-DNA position 44, C replaced by T.
Protein change: p.Ala15Val; replaces alanine 15 with valine.
Molecular consequence: missense variant.
Genome position (GRCh38, 1-based): chr6:90,586,840, G>A on the plus strand (C>T on the coding strand, the complement: MAP3K7 is on the minus strand). VCF-style: chr6-90586840-G-A. GRCh37 (hg19) VCF-style: chr6-91296559-G-A.
Other names: c.44C>T, p.Ala15Val (NM_003188.4, NM_145332.3, NM_145333.3); short protein forms A15V.
Identifiers: ClinVar variation 3001062 (VCV003001062.3), dbSNP rs879577986, ClinGen allele CA143029484.